The following is an entry in ClinVar:

NM_003072.5(SMARCA4):c.300A>G (p.Ser100=)

Gene: SMARCA4 (SWI/SNF related BAF chromatin remodeling complex subunit ATPase 4; plus strand). Cytogenetic location: 19p13.2.
Variant type: single nucleotide variant.
Coding change: c.300A>G on transcript NM_003072.5 (MANE Select); coding-DNA position 300, A replaced by G.
Protein change: p.Ser100=; no amino-acid change (serine 100 retained).
Molecular consequence: synonymous variant. On other transcripts: non-coding transcript variant (1).
Genome position (GRCh38, 1-based): chr19:10,985,350, A>G. VCF-style: chr19-10985350-A-G. GRCh37 (hg19) VCF-style: chr19-11096026-A-G.
Other names: c.300A>G, p.Ser100= (NM_001128847.4, NM_001128848.2, NM_001128849.3 and 6 more transcripts).
Identifiers: ClinVar variation 5042113 (VCV005042113.1).
Genomic context (GRCh38, chr19:10,985,350, plus strand): 5'-TGAGAAGGGCATGTCGGACGACCCGCGCTACAACCAGATGAAAGGAATGGGGATGCGGTC[A>G]GGGGGCCATGCTGGGATGGGGCCCCCGCCCAGCCCCATGGACCAGCACTCCCAAGGTACA-3'
Protein context (NP_003063.2, residues 90-110): YNQMKGMGMR[Ser100=]GGHAGMGPPP

ClinVar aggregate classification (germline): Benign (1 of 4 stars; one submission).

Conditions:
Rhabdoid tumor predisposition syndrome 2 (RTPS2). Identifiers: Orphanet 231108, Orphanet 69077, MedGen C2750074, MONDO:0013224, OMIM 613325.

gnomAD v4.1: 1 of 1,614,060 alleles (0.000062%); no homozygotes.

Submission:

Myriad Genetics, Inc.
Classification: Benign for Rhabdoid tumor predisposition syndrome 2. Last evaluated: 2026-07-08. Review status: criteria provided, single submitter. Criteria: Myriad Autosomal Dominant, Autosomal Recessive and X-Linked Classification Criteria (2023). Collection method: clinical testing. Allele origin: unknown.
Comment: This variant is considered benign. This variant is a silent/synonymous amino acid change and it is not expected to impact splicing.